The following is an entry in ClinVar:

NM_001267550.2(TTN):c.107321T>C (p.Ile35774Thr)

Genes: TTN-AS1 (TTN antisense RNA 1; plus strand), TTN (titin; minus strand). Cytogenetic location: 2q31.2.
Variant type: single nucleotide variant.
Coding change: c.107321T>C on transcript NM_001267550.2 (MANE Select); coding-DNA position 107321, T replaced by C.
Protein change: p.Ile35774Thr; replaces isoleucine 35774 with threonine.
Molecular consequence: missense variant.
Genome position (GRCh38, 1-based): chr2:178,528,330, A>G on the plus strand (T>C on the coding strand, the complement: TTN is on the minus strand). VCF-style: chr2-178528330-A-G. GRCh37 (hg19) VCF-style: chr2-179393057-A-G.
Other names: c.102398T>C, p.Ile34133Thr (NM_001256850.1); c.80126T>C, p.Ile26709Thr (NM_003319.4); c.99617T>C, p.Ile33206Thr (NM_133378.4); c.80501T>C, p.Ile26834Thr (NM_133432.3); c.80702T>C, p.Ile26901Thr (NM_133437.4); short protein forms I26709T, I26901T, I35774T, I26834T, I33206T, I34133T.
Identifiers: ClinVar variation 1350985 (VCV001350985.6), dbSNP rs2154130889, ClinGen allele CA349401331.

ClinVar aggregate classification (germline): Uncertain significance (1 of 4 stars; one submission).

Conditions:
Dilated cardiomyopathy 1G (CMD1G). Identifiers: Orphanet 154, MedGen C1858763, MONDO:0011400, OMIM 604145.
Autosomal recessive limb-girdle muscular dystrophy type 2J (LGMDR10). Also called: Limb-girdle muscular dystrophy, type 2J; MUSCULAR DYSTROPHY, LIMB-GIRDLE, AUTOSOMAL RECESSIVE 10. Identifiers: Orphanet 140922, MedGen C1837342, MONDO:0012127, OMIM 608807.

Submission:

Labcorp Genetics (formerly Invitae), Labcorp
Classification: Uncertain significance for Dilated cardiomyopathy 1G; Autosomal recessive limb-girdle muscular dystrophy type 2J. Last evaluated: 2021-05-03. Review status: criteria provided, single submitter. Criteria: Invitae Variant Classification Sherloc (09022015). Collection method: clinical testing. Allele origin: germline.
Comment: This variant is located in the M band of TTN (PMID: 25589632). Variants in this region may be relevant for neuromuscular disorders, but have not been definitively shown to cause cardiomyopathy (PMID: 23975875). In summary, the available evidence is currently insufficient to determine the role of this variant in disease. Therefore, it has been classified as a Variant of Uncertain Significance. Experimental studies and prediction algorithms are not available or were not evaluated, and the functional significance of this variant is currently unknown. This variant has not been reported in the literature in individuals with TTN-related conditions. This variant is not present in population databases (ExAC no frequency). This sequence change replaces isoleucine with threonine at codon 35774 of the TTN protein (p.Ile35774Thr). There is a moderate physicochemical difference between isoleucine and threonine.

Literature cited by the submitters: PubMed 25589632; PubMed 23975875.